The following is an entry in ClinVar:

ClinVar aggregate classification (germline): Uncertain significance (1 of 4 stars; one submission).

Submission:

CeGaT Center for Human Genetics Tuebingen
Classification: Uncertain significance. Last evaluated: 2024-08-01. Review status: criteria provided, single submitter. Criteria: CeGaT Center For Human Genetics Tuebingen Variant Classification Criteria Version 2. Collection method: clinical testing. Allele origin: germline. Affected: yes. Observed: 1 variant allele.
Comment: MACF1: PM2, PP3

NM_001394062.1(MACF1):c.829G>C (p.Asp277His)

Gene: MACF1 (microtubule actin crosslinking factor 1; plus strand). Cytogenetic location: 1p34.3.
Variant type: single nucleotide variant.
Coding change: c.829G>C on transcript NM_001394062.1 (MANE Select); coding-DNA position 829, G replaced by C.
Protein change: p.Asp277His; replaces aspartic acid 277 with histidine.
Molecular consequence: missense variant.
Genome position (GRCh38, 1-based): chr1:39,283,429, G>C. VCF-style: chr1-39283429-G-C. GRCh37 (hg19) VCF-style: chr1-39749101-G-C.
Other names: c.844G>C, p.Asp282His (NM_012090.5); short protein forms D277H, D282H.
Identifiers: ClinVar variation 3342099 (VCV003342099.16).
Genomic context (GRCh38, chr1:39,283,429, plus strand): 5'-TTTGTTCTGACTAAGAAATTTCTTGTCCATTCTCTCTCAGATGTGGATGTGCCATCTCCA[G>C]ATGAAAAGTCTGTAATCACTTATGTGTCTTCGATTTATGATGCCTTCCCTAAAGTTCCTG-3'
Protein context (NP_001380991.1, residues 267-287): DAEDVDVPSP[Asp277His]EKSVITYVSS